The following is an entry in ClinVar:

ClinVar aggregate classification (germline): Pathogenic (1 of 4 stars; one submission).

Conditions:
Autosomal recessive limb-girdle muscular dystrophy type 2L (LGMDR12). Also called: Limb-girdle muscular dystrophy, type 2L; MUSCULAR DYSTROPHY, LIMB-GIRDLE, AUTOSOMAL RECESSIVE 12; Limb-Girdle Muscular Dystrophy R12 Anoctamin-5-Related (LGMD-R12). Identifiers: Orphanet 206549, MedGen C1969785, MONDO:0012652, OMIM 611307.
Gnathodiaphyseal dysplasia (GDD). Also called: GNATHODIAPHYSEAL SCLEROSIS; OSTEOGENESIS IMPERFECTA WITH UNUSUAL SKELETAL LESIONS. Identifiers: Orphanet 53697, MedGen C1833736, MONDO:0008151, OMIM 166260.

Allele frequency attached by ClinVar (database versions not stated): TOPMed below 0.00001.

Submission:

Labcorp Genetics (formerly Invitae), Labcorp
Classification: Pathogenic for Autosomal recessive limb-girdle muscular dystrophy type 2L; Gnathodiaphyseal dysplasia. Last evaluated: 2025-06-06. Review status: criteria provided, single submitter. Criteria: Invitae Variant Classification Sherloc (09022015). Collection method: clinical testing. Allele origin: germline.
Comment: This sequence change creates a premature translational stop signal (p.Leu408Trpfs*19) in the ANO5 gene. It is expected to result in an absent or disrupted protein product. Loss-of-function variants in ANO5 are known to be pathogenic (PMID: 21186264, 23606453, 25891276, 30919934). This variant is not present in population databases (gnomAD no frequency). This variant has not been reported in the literature in individuals affected with ANO5-related conditions. ClinVar contains an entry for this variant (Variation ID: 1406379). For these reasons, this variant has been classified as Pathogenic.

Literature cited by the submitters: PubMed 21186264; PubMed 23606453; PubMed 25891276; PubMed 30919934.

NM_213599.3(ANO5):c.1222del (p.Leu408fs)

Gene: ANO5 (anoctamin 5; plus strand). Cytogenetic location: 11p14.3.
Variant type: Deletion.
Coding change: c.1222del on transcript NM_213599.3 (MANE Select); coding-DNA position 1222, one base deleted (C; older notation c.1222delC).
Protein change: p.Leu408fs; shifts the reading frame from leucine 408.
Molecular consequence: frameshift variant.
Genome position (GRCh38, 1-based): chr11:22,255,412, C deleted. VCF-style (leftmost placement, unchanged base first): chr11-22255411-AC-A. GRCh37 (hg19) VCF-style: chr11-22276957-AC-A.
Other names: c.1219del, p.Leu407fs (NM_001142649.2); short protein forms L407fs, L408fs.
Identifiers: ClinVar variation 1406379 (VCV001406379.6), dbSNP rs1853968715, ClinGen allele CA1957416924.
Genomic context (GRCh38, chr11:22,255,411, plus strand): 5'-ATATATTTATTTACCTATAGTCACCTTATTTTTGGAGTTTTGGAAACAACGACAAGCCAG[AC>A]TGGAATATGAATGGGACCTGGTGGACTTTGAAGAGGAACAGCAGCAGCTTCAGCTGAGAC-3'